The following is an entry in ClinVar:

ClinVar aggregate classification (germline): Uncertain significance (1 of 4 stars; one submission).

Conditions:
Hereditary cancer-predisposing syndrome. Also called: Tumor predisposition; Neoplastic Syndromes, Hereditary; Hereditary Cancer Syndrome; Hereditary neoplastic syndrome. Identifiers: Orphanet 140162, MedGen C0027672, MeSH D009386, MONDO:0015356.

Submission:

Ambry Genetics
Classification: Uncertain significance for Hereditary cancer-predisposing syndrome. Last evaluated: 2022-02-26. Review status: criteria provided, single submitter. Criteria: Ambry Variant Classification Scheme 2023. Collection method: clinical testing. Allele origin: germline.
Comment: The p.E1044K variant (also known as c.3130G>A), located in coding exon 20 of the RAD50 gene, results from a G to A substitution at nucleotide position 3130. The glutamic acid at codon 1044 is replaced by lysine, an amino acid with similar properties. This amino acid position is conserved. In addition, this alteration is predicted to be tolerated by in silico analysis. Since supporting evidence is limited at this time, the clinical significance of this alteration remains unclear.

NM_005732.4(RAD50):c.3130G>A (p.Glu1044Lys)

Gene: RAD50 (RAD50 double strand break repair protein; plus strand). Cytogenetic location: 5q31.1.
Variant type: single nucleotide variant.
Coding change: c.3130G>A on transcript NM_005732.4 (MANE Select); coding-DNA position 3130, G replaced by A.
Protein change: p.Glu1044Lys; replaces glutamic acid 1044 with lysine.
Molecular consequence: missense variant.
Genome position (GRCh38, 1-based): chr5:132,616,096, G>A. VCF-style: chr5-132616096-G-A. GRCh37 (hg19) VCF-style: chr5-131951788-G-A.
Other names: short protein forms E1044K.
Identifiers: ClinVar variation 1727961 (VCV001727961.2), dbSNP rs2149852994, ClinGen allele CA360963788.